The following is an entry in ClinVar:

NM_016529.6(ATP8A2):c.423G>A (p.Lys141=)

Gene: ATP8A2 (ATPase phospholipid transporting 8A2). Cytogenetic location: 13q12.13.
Variant type: single nucleotide variant.
Coding change: c.423G>A on transcript NM_016529.6 (MANE Select); coding-DNA position 423, G replaced by A.
Protein change: p.Lys141=; no amino-acid change (lysine 141 retained).
Molecular consequence: synonymous variant.
Genome position (GRCh38, 1-based): chr13:25,532,274, G>A. VCF-style: chr13-25532274-G-A. GRCh37 (hg19) VCF-style: chr13-26106412-G-A.
Other names: c.303G>A, p.Lys101= (NM_001313741.1); c.423G>A, p.Lys141= (NM_001411005.1, NM_001411006.1).
Identifiers: ClinVar variation 5041680 (VCV005041680.1).

ClinVar aggregate classification (germline): Likely benign (1 of 4 stars; one submission).

Submission:

CeGaT Center for Human Genetics Tuebingen
Classification: Likely benign. Last evaluated: 2026-09-01. Review status: criteria provided, single submitter. Criteria: CeGaT Center For Human Genetics Tuebingen Variant Classification Criteria Version 2. Collection method: clinical testing. Allele origin: germline. Affected: yes. Observed: 1 variant allele.
Comment: ATP8A2: PM2:Supporting, BP4, BP7